The following is an entry in ClinVar:

NM_031407.7(HUWE1):c.5641A>G (p.Asn1881Asp)

Gene: HUWE1 (HECT, UBA and WWE domain containing E3 ubiquitin protein ligase 1; minus strand). Cytogenetic location: Xp11.22.
Variant type: single nucleotide variant.
Coding change: c.5641A>G on transcript NM_031407.7 (MANE Select); coding-DNA position 5641, A replaced by G.
Protein change: p.Asn1881Asp; replaces asparagine 1881 with aspartic acid.
Molecular consequence: missense variant.
Genome position (GRCh38, 1-based): chrX:53,580,906, T>C on the plus strand (A>G on the coding strand, the complement: HUWE1 is on the minus strand). VCF-style: chrX-53580906-T-C. GRCh37 (hg19) VCF-style: chrX-53607866-T-C.
Other names: c.5641A>G (NM_031407.4); short protein forms N1881D.
Identifiers: ClinVar variation 3032684 (VCV003032684.4), dbSNP rs781940133, ClinGen allele CA10422238.

ClinVar aggregate classification (germline): Benign/Likely benign. Review status: criteria provided, multiple submitters, no conflicts (2 of 4 stars). 3 submissions from 3 submitters: Benign (1); Likely benign (1). 1 of the submissions does not count toward it. Last evaluated 2025-06-01.

Conditions:
HUWE1-related disorder. Also called: HUWE1-related condition.
Inborn genetic diseases. Identifiers: MedGen C0950123, MeSH D030342.

Allele frequency attached by ClinVar (database versions not stated): gnomAD exomes 0.00003; gnomAD 0.00002; ExAC 0.00005.
gnomAD v4.1: 32 of 1,209,506 alleles (0.0026%); highest among the groups gnomAD compares: South Asian, 0.053%; no homozygotes.

Submissions (3):

Labcorp Genetics (formerly Invitae), Labcorp
Classification: Benign. Last evaluated: 2025-06-01. Review status: criteria provided, single submitter. Criteria: Invitae Variant Classification Sherloc (09022015). Collection method: clinical testing. Allele origin: germline.

Ambry Genetics
Classification: Likely benign for Inborn genetic diseases. Last evaluated: 2024-10-19. Review status: criteria provided, single submitter. Criteria: Ambry Variant Classification Scheme 2023. Collection method: clinical testing. Allele origin: germline.

PreventionGenetics, part of Exact Sciences
Classification: Likely benign for HUWE1-related condition. Last evaluated: 2023-08-01. Review status: no assertion criteria provided. Collection method: clinical testing. Allele origin: germline. Not counted in ClinVar's aggregate classification.
Comment: This variant is classified as likely benign based on ACMG/AMP sequence variant interpretation guidelines (Richards et al. 2015 PMID: 25741868, with internal and published modifications).